The following is an entry in ClinVar:

NM_006059.4(LAMC3):c.2004C>G (p.Ser668=)

Gene: LAMC3 (laminin subunit gamma 3; plus strand). Cytogenetic location: 9q34.12.
Variant type: single nucleotide variant.
Coding change: c.2004C>G on transcript NM_006059.4 (MANE Select); coding-DNA position 2004, C replaced by G.
Protein change: p.Ser668=; no amino-acid change (serine 668 retained).
Molecular consequence: synonymous variant.
Genome position (GRCh38, 1-based): chr9:131,056,993, C>G. VCF-style: chr9-131056993-C-G. GRCh37 (hg19) VCF-style: chr9-133932380-C-G.
Identifiers: ClinVar variation 2990738 (VCV002990738.25), dbSNP rs781719244, ClinGen allele CA5287303.
Genomic context (GRCh38, chr9:131,056,993, plus strand): 5'-AGTGTTCCTGACTGAGGTCCGGCTCACATCCGCCCGGCCAGGGCTTTCCCCGCCAGCCTC[C>G]TGGGTGGAGATTTGTTCATGTCCCACTGGCTACACGGGCCAGTTCTGTGAATCCTGTGCT-3'
Protein context (NP_006050.3, residues 658-678): SARPGLSPPA[Ser668=]WVEICSCPTG

ClinVar aggregate classification (germline): Likely benign. Review status: criteria provided, multiple submitters, no conflicts (2 of 4 stars). 2 submissions from 2 submitters: Likely benign (2). Last evaluated 2024-02-01.

Allele frequency attached by ClinVar (database versions not stated): TOPMed 0.00001; ExAC 0.00002; gnomAD 0.00002; gnomAD exomes 0.00002.
gnomAD v4.1: 38 of 1,614,006 alleles (0.0024%); highest among the groups gnomAD compares: Non-Finnish European, 0.0032%; no homozygotes.

Submissions (2):

CeGaT Center for Human Genetics Tuebingen
Classification: Likely benign. Last evaluated: 2024-02-01. Review status: criteria provided, single submitter. Criteria: CeGaT Center For Human Genetics Tuebingen Variant Classification Criteria Version 2. Collection method: clinical testing. Allele origin: germline. Affected: yes. Observed: 1 variant allele.
Comment: LAMC3: BP4, BP7

Labcorp Genetics (formerly Invitae), Labcorp
Classification: Likely benign. Last evaluated: 2023-12-04. Review status: criteria provided, single submitter. Criteria: Invitae Variant Classification Sherloc (09022015). Collection method: clinical testing. Allele origin: germline.